The following is an entry in ClinVar:

ClinVar aggregate classification (germline): Pathogenic (1 of 4 stars; one submission).

Conditions:
Hermansky-Pudlak syndrome 3 (HPS3). Identifiers: Orphanet 231512, Orphanet 79430, MedGen C3888001, MONDO:0013555, OMIM 614072.

Submission:

Myriad Genetics, Inc.
Classification: Pathogenic for Hermansky-Pudlak syndrome 3. Last evaluated: 2024-05-14. Review status: criteria provided, single submitter. Criteria: Myriad Autosomal Dominant, Autosomal Recessive and X-Linked Classification Criteria (2023). Collection method: clinical testing. Allele origin: unknown.
Comment: NM_032383.3(HPS3):c.2640_2642delGGAinsT(L880Ffs*25) is expected to be pathogenic in the context of Hermansky-Pudlak syndrome, HPS3-related. This variant is predicted to lead to an abnormal or absent protein product due to the creation of a premature termination codon in HPS3, a gene where loss-of-function variants are known to be pathogenic. Please note: this variant was assessed in the context of healthy population screening.

NM_032383.5(HPS3):c.2640_2642delinsT (p.Leu880fs)

Genes: CP (ceruloplasmin; minus strand), HPS3 (HPS3 biogenesis of lysosomal organelles complex 2 subunit 1; plus strand). Cytogenetic location: 3q24.
Variant type: Indel.
Coding change: c.2640_2642delinsT on transcript NM_032383.5 (MANE Select); coding-DNA positions 2640 to 2642, GGA replaced by T.
Protein change: p.Leu880fs; shifts the reading frame from leucine 880.
Molecular consequence: frameshift variant.
Genome position (GRCh38, 1-based): chr3:149,167,084-149,167,086, GGA replaced by T. VCF-style: chr3-149167084-GGA-T. GRCh37 (hg19) VCF-style: chr3-148884871-GGA-T.
Other names: c.2145_2147delinsT, p.Leu715fs (NM_001308258.2); short protein forms L715fs, L880fs.
Identifiers: ClinVar variation 5010407 (VCV005010407.1).